The following is an entry in ClinVar:

NM_001430.5(EPAS1):c.1708A>G (p.Ile570Val)

Gene: EPAS1 (endothelial PAS domain protein 1; plus strand). Cytogenetic location: 2p21.
Variant type: single nucleotide variant.
Coding change: c.1708A>G on transcript NM_001430.5 (MANE Select); coding-DNA position 1708, A replaced by G.
Protein change: p.Ile570Val; replaces isoleucine 570 with valine.
Molecular consequence: missense variant.
Genome position (GRCh38, 1-based): chr2:46,380,380, A>G. VCF-style: chr2-46380380-A-G. GRCh37 (hg19) VCF-style: chr2-46607519-A-G.
Other names: short protein forms I570V.
Identifiers: ClinVar variation 2565047 (VCV002565047.2), dbSNP rs747607259, ClinGen allele CA346704716.

ClinVar aggregate classification (germline): Uncertain significance (1 of 4 stars; one submission).

Conditions:
Inborn genetic diseases. Identifiers: MedGen C0950123, MeSH D030342.

gnomAD v4.1: 1 of 1,614,028 alleles (0.000062%); highest among the groups gnomAD compares: Non-Finnish European, 0.000085%; no homozygotes.

Submission:

Ambry Genetics
Classification: Uncertain significance for Inborn genetic diseases. Last evaluated: 2023-03-30. Review status: criteria provided, single submitter. Criteria: Ambry Variant Classification Scheme 2023. Collection method: clinical testing. Allele origin: germline.
Comment: The p.I570V variant (also known as c.1708A>G), located in coding exon 12 of the EPAS1 gene, results from an A to G substitution at nucleotide position 1708. The isoleucine at codon 570 is replaced by valine, an amino acid with highly similar properties. This amino acid position is conserved. In addition, this alteration is predicted to be tolerated by in silico analysis. Since supporting evidence is limited at this time, the clinical significance of this alteration remains unclear.